The following is an entry in ClinVar:

NM_000388.4(CASR):c.2477C>T (p.Ala826Val)

Gene: CASR (calcium sensing receptor; plus strand). Cytogenetic location: 3q21.1.
Variant type: single nucleotide variant.
Coding change: c.2477C>T on transcript NM_000388.4 (MANE Select); coding-DNA position 2477, C replaced by T.
Protein change: p.Ala826Val; replaces alanine 826 with valine.
Molecular consequence: missense variant.
Genome position (GRCh38, 1-based): chr3:122,284,431, C>T. VCF-style: chr3-122284431-C-T. GRCh37 (hg19) VCF-style: chr3-122003278-C-T.
Other names: c.2507C>T, p.Ala836Val (NM_001178065.2); short protein forms A826V, A836V.
Identifiers: ClinVar variation 1006150 (VCV001006150.11), dbSNP rs2074939465, ClinGen allele CA354160022.
Genomic context (GRCh38, chr3:122,284,431, plus strand): 5'-TCATCACCTTCAGCATGCTCATCTTCTTCATCGTCTGGATCTCCTTCATTCCAGCCTATG[C>T]CAGCACCTATGGCAAGTTTGTCTCTGCCGTAGAGGTGATTGCCATCCTGGCAGCCAGCTT-3'
Protein context (NP_000379.3, residues 816-836): IVWISFIPAY[Ala826Val]STYGKFVSAV

ClinVar aggregate classification (germline): Uncertain significance. Review status: criteria provided, multiple submitters, no conflicts (2 of 4 stars). 2 submissions from 2 submitters: Uncertain significance (2). Last evaluated 2023-09-26.

Conditions:
Autosomal dominant hypocalcemia 1 (HYPOC1). Also called: HYPOCALCEMIA, FAMILIAL. Identifiers: MedGen C3715128, MONDO:0011013, OMIM 601198.
Familial hypocalciuric hypercalcemia (FHH). Also called: Familial benign hypercalcemia. Identifiers: Orphanet 405, MedGen C1809471, MONDO:0018458.
Nephrolithiasis/nephrocalcinosis. Identifiers: MedGen CN580796.

Submissions (2):

Labcorp Genetics (formerly Invitae), Labcorp
Classification: Uncertain significance for Familial hypocalciuric hypercalcemia; Autosomal dominant hypocalcemia 1. Last evaluated: 2023-09-26. Review status: criteria provided, single submitter. Criteria: Invitae Variant Classification Sherloc (09022015). Collection method: clinical testing. Allele origin: germline.
Comment: This sequence change replaces alanine, which is neutral and non-polar, with valine, which is neutral and non-polar, at codon 826 of the CASR protein (p.Ala826Val). This variant is not present in population databases (gnomAD no frequency). This variant has not been reported in the literature in individuals affected with CASR-related conditions. ClinVar contains an entry for this variant (Variation ID: 1006150). An algorithm developed to predict the effect of missense changes on protein structure and function (PolyPhen-2) suggests that this variant is likely to be tolerated. In summary, the available evidence is currently insufficient to determine the role of this variant in disease. Therefore, it has been classified as a Variant of Uncertain Significance.

Ambry Genetics
Classification: Uncertain significance for Nephrolithiasis/nephrocalcinosis. Last evaluated: 2023-06-13. Review status: criteria provided, single submitter. Criteria: Ambry Variant Classification Scheme 2023. Collection method: clinical testing. Allele origin: germline.
Comment: The p.A826V variant (also known as c.2477C>T), located in coding exon 6 of the CASR gene, results from a C to T substitution at nucleotide position 2477. The alanine at codon 826 is replaced by valine, an amino acid with similar properties. This amino acid position is not well conserved in available vertebrate species. In addition, the in silico prediction for this alteration is inconclusive. Since supporting evidence is limited at this time, the clinical significance of this alteration remains unclear.